The following is an entry in ClinVar:

NM_000551.4(VHL):c.340+765T>C

Genes: VHL (von Hippel-Lindau tumor suppressor; plus strand), LOC107303340 (3p25 von Hippel-Lindau tumor suppressor, E3 ubiquitin protein ligase Alu-mediated recombination region; plus strand). Cytogenetic location: 3p25.3.
Variant type: single nucleotide variant.
Coding change: c.340+765T>C on transcript NM_000551.4 (MANE Select); 765 bases into the intron after coding-DNA position 340, T replaced by C.
Molecular consequence: intron variant. On other transcripts: missense variant (1), non-coding transcript variant (1).
Genome position (GRCh38, 1-based): chr3:10,142,952, T>C. VCF-style: chr3-10142952-T-C. GRCh37 (hg19) VCF-style: chr3-10184636-T-C.
Other names: c.530T>C, p.Val177Ala (NM_001354723.2); c.340+765T>C (NM_198156.3); short protein forms V177A.
Identifiers: ClinVar variation 4793802 (VCV004793802.1).

ClinVar aggregate classification (germline): Uncertain significance (1 of 4 stars; one submission).

Conditions:
Chuvash polycythemia. Also called: POLYCYTHEMIA, VHL-DEPENDENT. Identifiers: Orphanet 238557, MedGen C1837915, MONDO:0009892, OMIM 263400.
Von Hippel-Lindau syndrome (VHLS). Also called: von Hippel–Lindau syndrome; VHL syndrome; Von Hippel-Lindau. Identifiers: Orphanet 892, MedGen C0019562, MONDO:0008667, OMIM 193300. Disease mechanism: loss of function.

Submission:

Labcorp Genetics (formerly Invitae), Labcorp
Classification: Uncertain significance for Von Hippel-Lindau syndrome; Chuvash polycythemia. Last evaluated: 2025-10-23. Review status: criteria provided, single submitter. Criteria: Invitae Variant Classification Sherloc (09022015). Collection method: clinical testing. Allele origin: germline.
Comment: This sequence change falls in intron 1 of the VHL gene. It is not expected to change the encoded amino acid sequence of the VHL protein. However, this sequence change falls within a cryptic exon in the VHL gene, known as exon E1’, which is naturally expressed at low levels in several human tissues (PMID: 29891534). This variant is not present in population databases (gnomAD no frequency). This variant has not been reported in the literature in individuals affected with VHL-related conditions. Algorithms developed to predict the effect of sequence changes on RNA splicing suggest that this variant is not likely to affect RNA splicing. In summary, the available evidence is currently insufficient to determine the role of this variant in disease. Therefore, it has been classified as a Variant of Uncertain Significance.

Literature cited by the submitters: PubMed 29891534.